The following is an entry in ClinVar:

NM_005188.4(CBL):c.1399C>G (p.Leu467Val)

Gene: CBL (Cbl proto-oncogene; plus strand). Cytogenetic location: 11q23.3.
Variant type: single nucleotide variant.
Coding change: c.1399C>G on transcript NM_005188.4 (MANE Select); coding-DNA position 1399, C replaced by G.
Protein change: p.Leu467Val; replaces leucine 467 with valine.
Molecular consequence: missense variant.
Genome position (GRCh38, 1-based): chr11:119,278,681, C>G. VCF-style: chr11-119278681-C-G. GRCh37 (hg19) VCF-style: chr11-119149391-C-G.
Other names: c.1399C>G (NM_005188.2); short protein forms L467V.
Identifiers: ClinVar variation 877349 (VCV000877349.9), dbSNP rs771673435, ClinGen allele CA6318509.

ClinVar aggregate classification (germline): Uncertain significance. Review status: criteria provided, multiple submitters, no conflicts (2 of 4 stars). 3 submissions from 3 submitters: Uncertain significance (3). Last evaluated 2026-01-18.

Conditions:
Cardiovascular phenotype. Identifiers: MedGen CN230736.
CBL-related disorder. Also called: CBL MUTATION-ASSOCIATED SYNDROME; CBL SYNDROME; NOONAN SYNDROME-LIKE DISORDER WITHOUT JUVENILE MYELOMONOCYTIC LEUKEMIA. Identifiers: Orphanet 363972, MedGen C3150803, MONDO:0013308, OMIM 613563.
RASopathy. Also called: rasopathies; Noonan spectrum disorder. Identifiers: Orphanet 536391, MedGen C5555857, MONDO:0021060.

Allele frequency attached by ClinVar (database versions not stated): gnomAD exomes below 0.00001 and 0.00002; ExAC 0.00001; gnomAD 0.00001; TOPMed 0.00001.
gnomAD v4.1: 33 of 1,614,012 alleles (0.002%); highest among the groups gnomAD compares: Non-Finnish European, 0.0027%; no homozygotes.

Submissions (3):

Labcorp Genetics (formerly Invitae), Labcorp
Classification: Uncertain significance for RASopathy. Last evaluated: 2026-01-18. Review status: criteria provided, single submitter. Criteria: Invitae Variant Classification Sherloc (09022015). Collection method: clinical testing. Allele origin: germline.
Comment: This sequence change replaces leucine, which is neutral and non-polar, with valine, which is neutral and non-polar, at codon 467 of the CBL protein (p.Leu467Val). This variant is present in population databases (rs771673435, gnomAD 0.0009%). This variant has not been reported in the literature in individuals affected with CBL-related conditions. ClinVar contains an entry for this variant (Variation ID: 877349). Invitae Evidence Modeling of protein sequence and biophysical properties (such as structural, functional, and spatial information, amino acid conservation, physicochemical variation, residue mobility, and thermodynamic stability) indicates that this missense variant is not expected to disrupt CBL protein function with a negative predictive value of 95%. In summary, the available evidence is currently insufficient to determine the role of this variant in disease. Therefore, it has been classified as a Variant of Uncertain Significance.

Ambry Genetics
Classification: Uncertain significance for Cardiovascular phenotype. Last evaluated: 2024-11-26. Review status: criteria provided, single submitter. Criteria: Ambry Variant Classification Scheme 2023. Collection method: clinical testing. Allele origin: germline.
Comment: The p.L467V variant (also known as c.1399C>G), located in coding exon 9 of the CBL gene, results from a C to G substitution at nucleotide position 1399. The leucine at codon 467 is replaced by valine, an amino acid with highly similar properties. This amino acid position is conserved. In addition, this alteration is predicted to be tolerated by in silico analysis. Based on the available evidence, the clinical significance of this variant remains unclear.

Illumina Laboratory Services, Illumina
Classification: Uncertain significance for CBL-related disorder. Last evaluated: 2017-04-27. Review status: criteria provided, single submitter. Criteria: ICSL Variant Classification Criteria 13 December 2019. Collection method: clinical testing. Allele origin: germline.